The following is an entry in ClinVar:

NM_000551.4(VHL):c.572A>G (p.His191Arg)

Genes: VHL (von Hippel-Lindau tumor suppressor; plus strand), LOC107303340 (3p25 von Hippel-Lindau tumor suppressor, E3 ubiquitin protein ligase Alu-mediated recombination region; plus strand). Cytogenetic location: 3p25.3.
Variant type: single nucleotide variant.
Coding change: c.572A>G on transcript NM_000551.4 (MANE Select); coding-DNA position 572, A replaced by G.
Protein change: p.His191Arg; replaces histidine 191 with arginine.
Molecular consequence: missense variant. On other transcripts: 3 prime UTR variant (1).
Genome position (GRCh38, 1-based): chr3:10,149,895, A>G. VCF-style: chr3-10149895-A-G. GRCh37 (hg19) VCF-style: chr3-10191579-A-G.
Other names: c.*126A>G (NM_001354723.2); c.449A>G, p.His150Arg (NM_198156.3); short protein forms H191R, H150R.
Identifiers: ClinVar variation 658462 (VCV000658462.17), dbSNP rs370050374, ClinGen allele CA041703.

ClinVar aggregate classification (germline): Conflicting classifications of pathogenicity. Review status: criteria provided, conflicting classifications (1 of 4 stars). 6 submissions from 6 submitters: Uncertain significance (5); Benign (1). Last evaluated 2026-01-19.

Conditions:
Chuvash polycythemia. Also called: POLYCYTHEMIA, VHL-DEPENDENT. Identifiers: Orphanet 238557, MedGen C1837915, MONDO:0009892, OMIM 263400.
Von Hippel-Lindau syndrome (VHLS). Also called: von Hippel–Lindau syndrome; VHL syndrome; Von Hippel-Lindau. Identifiers: Orphanet 892, MedGen C0019562, MONDO:0008667, OMIM 193300. Disease mechanism: loss of function.
Hereditary cancer-predisposing syndrome. Also called: Neoplastic Syndromes, Hereditary; Hereditary neoplastic syndrome; Hereditary Cancer Syndrome; Tumor predisposition. Identifiers: Orphanet 140162, MedGen C0027672, MeSH D009386, MONDO:0015356.

Allele frequency attached by ClinVar (database versions not stated): TOPMed 0.00002.
gnomAD v4.1: 17 of 1,614,194 alleles (0.0011%); highest among the groups gnomAD compares: Admixed American, 0.028%; no homozygotes.

Submissions (6):

Labcorp Genetics (formerly Invitae), Labcorp
Classification: Uncertain significance for Von Hippel-Lindau syndrome; Chuvash polycythemia. Last evaluated: 2026-01-19. Review status: criteria provided, single submitter. Criteria: Invitae Variant Classification Sherloc (09022015). Collection method: clinical testing. Allele origin: germline.
Comment: This sequence change replaces histidine, which is basic and polar, with arginine, which is basic and polar, at codon 191 of the VHL protein (p.His191Arg). This variant is present in population databases (rs370050374, gnomAD 0.04%). This variant has not been reported in the literature in individuals affected with VHL-related conditions. ClinVar contains an entry for this variant (Variation ID: 658462). An algorithm developed to predict the effect of missense changes on protein structure and function outputs the following: PolyPhen-2: "Benign". The arginine amino acid residue is found in multiple mammalian species, which suggests that this missense change does not adversely affect protein function. This variant disrupts the p.His191 amino acid residue in VHL. Other variant(s) that disrupt this residue have been determined to be pathogenic (PMID: 2844285, 21685897, 23403324). This suggests that this residue is clinically significant, and that variants that disrupt this residue are likely to be disease-causing. In summary, the available evidence is currently insufficient to determine the role of this variant in disease. Therefore, it has been classified as a Variant of Uncertain Significance.

GeneDx
Classification: Uncertain significance. Last evaluated: 2024-12-04. Review status: criteria provided, single submitter. Criteria: GeneDx Variant Classification Process June 2021. Collection method: clinical testing. Allele origin: germline. Affected: yes.
Comment: In silico analysis indicates that this missense variant does not alter protein structure/function; Has not been previously published as pathogenic or benign to our knowledge; This variant is associated with the following publications: (PMID: 12844285, 21685897, 23403324, 27651169)

All of Us Research Program, National Institutes of Health
Classification: Uncertain significance for Von Hippel-Lindau syndrome. Last evaluated: 2024-09-25. Review status: criteria provided, single submitter. Criteria: ACMG Guidelines, 2015. Collection method: clinical testing. Allele origin: germline. Inheritance: Autosomal dominant inheritance. Observed: 6 variant alleles, 6 heterozygotes.
Comment: This missense variant replaces histidine with arginine at codon 191 of the VHL protein. Computational prediction is inconclusive regarding the impact of this variant on protein structure and function (internally defined REVEL score threshold 0.5 < inconclusive < 0.7, PMID: 27666373). To our knowledge, functional studies have not been reported for this variant. This variant has not been reported in individuals affected with hereditary cancer in the literature. A different missense variant at this codon, p.His191Asp, has been reported in homozygous carriers affected with recessive polycythemia and erythrocytosis but heterozygous carriers do not exhibit VHL-associated tumor phenotypes (PMID: 12844285, 23403324, 27651169). This variant has been identified in 14/251436 chromosomes in the general population by the Genome Aggregation Database (gnomAD). The available evidence is insufficient to determine the role of this variant in disease conclusively. Therefore, this variant is classified as a Variant of Uncertain Significance.

This study involves interpretation of variants in research participants for the purpose of population health screening. Participant phenotype was not available at the time of variant classification. Additional details can be found in publication PMID: 35346344, PMCID: PMC8962531

Color Diagnostics, LLC DBA Color Health
Classification: Uncertain significance for Von Hippel-Lindau syndrome. Last evaluated: 2024-06-06. Review status: criteria provided, single submitter. Criteria: ACMG Guidelines, 2015. Collection method: clinical testing. Allele origin: germline.
Comment: This missense variant replaces histidine with arginine at codon 191 of the VHL protein. Computational prediction is inconclusive regarding the impact of this variant on protein structure and function. To our knowledge, functional studies have not been reported for this variant. This variant has not been reported in individuals affected with hereditary cancer in the literature. A different missense variant at this codon, p.His191Asp, has been reported in homozygous carriers affected with recessive polycythemia and erythrocytosis but heterozygous carriers do not exhibit VHL-associated tumor phenotypes (PMID: 12844285, 23403324, 27651169). This variant has been identified in 14/251436 chromosomes in the general population by the Genome Aggregation Database (gnomAD). The available evidence is insufficient to determine the role of this variant in disease conclusively. Therefore, this variant is classified as a Variant of Uncertain Significance.

Ambry Genetics
Classification: Benign for Hereditary cancer-predisposing syndrome. Last evaluated: 2024-02-15. Review status: criteria provided, single submitter. Criteria: Ambry Variant Classification Scheme 2023. Collection method: clinical testing. Allele origin: germline.

Baylor Genetics
Classification: Uncertain significance for Von Hippel-Lindau syndrome. Last evaluated: 2019-02-21. Review status: criteria provided, single submitter. Criteria: ACMG Guidelines, 2015. Collection method: clinical testing. Allele origin: maternal. Affected: yes. Study: CSER-TexasKidsCanSeq.
Comment: This variant was determined to be of uncertain significance according to ACMG Guidelines, 2015 [PMID:25741868].

Literature cited by the submitters: PubMed 2844285 (cited by Labcorp Genetics (formerly Invitae), Labcorp); PubMed 21685897 (cited by Labcorp Genetics (formerly Invitae), Labcorp); PubMed 23403324 (cited by 3 submitters); PubMed 12844285 (cited by All of Us Research Program, National Institutes of Health and Color Diagnostics, LLC DBA Color Health); PubMed 27651169 (cited by All of Us Research Program, National Institutes of Health and Color Diagnostics, LLC DBA Color Health).